The following is an entry in ClinVar:

NM_001243925.2(MAPKAPK3):c.791G>A (p.Gly264Asp)

Gene: MAPKAPK3 (MAPK activated protein kinase 3; plus strand). Cytogenetic location: 3p21.2.
Variant type: single nucleotide variant.
Coding change: c.791G>A on transcript NM_001243925.2 (MANE Select); coding-DNA position 791, G replaced by A.
Protein change: p.Gly264Asp; replaces glycine 264 with aspartic acid.
Molecular consequence: missense variant.
Genome position (GRCh38, 1-based): chr3:50,646,226, G>A. VCF-style: chr3-50646226-G-A. GRCh37 (hg19) VCF-style: chr3-50683657-G-A.
Other names: c.791G>A, p.Gly264Asp (NM_001243926.2, NM_004635.5); c.791G>A (NM_001243926.1); short protein forms G264D.
Identifiers: ClinVar variation 1428020 (VCV001428020.6), dbSNP rs761866056, ClinGen allele CA74628151.

ClinVar aggregate classification (germline): Uncertain significance. Review status: criteria provided, multiple submitters, no conflicts (2 of 4 stars). 2 submissions from 2 submitters: Uncertain significance (2). Last evaluated 2023-06-19.

Conditions:
MAPKAPK3-related disorder. Also called: MAPKAPK3-related condition.

gnomAD v4.1: 8 of 1,614,174 alleles (0.0005%); highest among the groups gnomAD compares: African/African-American, 0.0027%; no homozygotes.

Submissions (2):

PreventionGenetics, part of Exact Sciences
Classification: Uncertain significance for MAPKAPK3-related condition. Last evaluated: 2023-06-19. Review status: criteria provided, single submitter. Criteria: ACMG Guidelines, 2015. Collection method: clinical testing. Allele origin: germline.
Comment: The MAPKAPK3 c.791G>A variant is predicted to result in the amino acid substitution p.Gly264Asp. To our knowledge, this variant has not been reported in the literature or in a large population database, indicating this variant is rare. At this time, the clinical significance of this variant is uncertain due to the absence of conclusive functional and genetic evidence.

Labcorp Genetics (formerly Invitae), Labcorp
Classification: Uncertain significance. Last evaluated: 2021-09-18. Review status: criteria provided, single submitter. Criteria: Invitae Variant Classification Sherloc (09022015). Collection method: clinical testing. Allele origin: germline.
Comment: In summary, the available evidence is currently insufficient to determine the role of this variant in disease. Therefore, it has been classified as a Variant of Uncertain Significance. Algorithms developed to predict the effect of missense changes on protein structure and function (SIFT, PolyPhen-2, Align-GVGD) all suggest that this variant is likely to be tolerated. This variant has not been reported in the literature in individuals affected with MAPKAPK3-related conditions. This variant is not present in population databases (ExAC no frequency). This sequence change replaces glycine with aspartic acid at codon 264 of the MAPKAPK3 protein (p.Gly264Asp). The glycine residue is highly conserved and there is a moderate physicochemical difference between glycine and aspartic acid.